The following is an entry in ClinVar:

ClinVar aggregate classification (germline): Pathogenic/Likely pathogenic. Review status: criteria provided, multiple submitters, no conflicts (2 of 4 stars). 5 submissions from 5 submitters: Pathogenic (3); Likely pathogenic (2). Last evaluated 2024-04-26.

Conditions:
Hereditary cancer-predisposing syndrome. Also called: Hereditary neoplastic syndrome; Neoplastic Syndromes, Hereditary; Tumor predisposition; Hereditary Cancer Syndrome. Identifiers: Orphanet 140162, MedGen C0027672, MeSH D009386, MONDO:0015356.
Familial cancer of breast. Also called: Hereditary breast cancer; hereditary breast carcinoma; BREAST CANCER, FAMILIAL. Identifiers: Orphanet 227535, MedGen C0346153, MONDO:0016419, OMIM 114480. Disease mechanism: loss of function.
Ataxia-telangiectasia syndrome (AT). Also called: Ataxia telangiectasia (A-T); LOUIS-BAR SYNDROME; Cerebello-oculocutaneous telangiectasia; Immunodeficiency with ataxia telangiectasia; Ataxia-telangiectasia, complementation group D; AT, COMPLEMENTATION GROUP C. Identifiers: Orphanet 100, MedGen C0004135, MONDO:0008840, OMIM 208900.

Submissions (5):

Natera, Inc.
Classification: Likely pathogenic for Ataxia-telangiectasia. Last evaluated: 2024-04-26. Review status: criteria provided, single submitter. Criteria: Natera Variant Classification Schema (03/2026). Collection method: clinical testing. Allele origin: germline.
Comment: The c.2985_2988delTCAT variant in ATM is a frameshift variant predicted to shift the reading frame and introduce a stop codon. This variant is expected to result in nonsense mediated decay, truncation, or a dysfunctional protein product. This variant is rare in the general population with a frequency below the threshold expected for the associated phenotype(s). Given the available evidence, this variant is classified as Likely Pathogenic.

Labcorp Genetics (formerly Invitae), Labcorp
Classification: Pathogenic for Ataxia-telangiectasia syndrome. Last evaluated: 2024-03-13. Review status: criteria provided, single submitter. Criteria: Invitae Variant Classification Sherloc (09022015). Collection method: clinical testing. Allele origin: germline.
Comment: This sequence change creates a premature translational stop signal (p.His996*) in the ATM gene. It is expected to result in an absent or disrupted protein product. Loss-of-function variants in ATM are known to be pathogenic (PMID: 23807571, 25614872). This variant is not present in population databases (gnomAD no frequency). This variant has not been reported in the literature in individuals affected with ATM-related conditions. ClinVar contains an entry for this variant (Variation ID: 407557). For these reasons, this variant has been classified as Pathogenic.

Myriad Genetics, Inc.
Classification: Pathogenic for Familial cancer of breast. Last evaluated: 2024-01-18. Review status: criteria provided, single submitter. Criteria: Myriad Autosomal Dominant, Autosomal Recessive and X-Linked Classification Criteria (2023). Collection method: clinical testing. Allele origin: unknown.
Comment: This variant is considered pathogenic. This variant creates a termination codon and is predicted to result in premature protein truncation.

Ambry Genetics
Classification: Pathogenic for Hereditary cancer-predisposing syndrome. Last evaluated: 2024-01-08. Review status: criteria provided, single submitter. Criteria: Ambry Variant Classification Scheme 2023. Collection method: clinical testing. Allele origin: germline.
Comment: The c.2985_2988delTCAT pathogenic mutation, located in coding exon 19 of the ATM gene, results from a deletion of 4 nucleotides at nucleotide positions 2985 to 2988, causing a translational frameshift with a predicted alternate stop codon (p.H996*). This variant is considered to be rare based on population cohorts in the Genome Aggregation Database (gnomAD). This alteration is expected to result in loss of function by premature protein truncation or nonsense-mediated mRNA decay. As such, this alteration is interpreted as a disease-causing mutation.

Baylor Genetics
Classification: Likely pathogenic for Familial cancer of breast. Last evaluated: 2022-05-25. Review status: criteria provided, single submitter. Criteria: ACMG Guidelines, 2015. Collection method: clinical testing. Allele origin: unknown.

Literature cited by the submitters: PubMed 23807571 (cited by Labcorp Genetics (formerly Invitae), Labcorp); PubMed 25614872 (cited by Labcorp Genetics (formerly Invitae), Labcorp).

NM_000051.4(ATM):c.2985_2988del (p.Leu995_His996insTer)

Gene: ATM (ATM serine/threonine kinase; plus strand). Cytogenetic location: 11q22.3.
Variant type: Deletion.
Coding change: c.2985_2988del on transcript NM_000051.4 (MANE Select); coding-DNA positions 2985 to 2988, 4 bases deleted (TCAT; older notation c.2985_2988delTCAT).
Protein change: p.Leu995_His996insTer.
Molecular consequence: frameshift variant.
Genome position (GRCh38, 1-based): chr11:108,271,314-108,271,317, TCAT deleted; deleting any 4 consecutive bases within chr11:108,271,313-108,271,317 gives the same sequence; the c. name uses the placement nearest the transcript's 3' end. VCF-style (leftmost placement, unchanged base first): chr11-108271312-CTTCA-C. GRCh37 (hg19) VCF-style: chr11-108142039-CTTCA-C.
Other names: c.2985_2988delTCAT (NM_000051.3); c.2985_2988del, p.Leu995_His996insTer (NM_001351834.2).
Identifiers: ClinVar variation 407557 (VCV000407557.10), dbSNP rs1060501600, ClinGen allele CA16613118.